The following is an entry in ClinVar:

NC_000009.11:g.(?_80018142)_(80030932_?)del

Gene: VPS13A (vacuolar protein sorting 13 homolog A; plus strand). Cytogenetic location: 9q21.2.
Variant type: Deletion.
Identifiers: ClinVar variation 1459760 (VCV001459760.6).

ClinVar aggregate classification (germline): Pathogenic (1 of 4 stars; one submission).

Submission:

Labcorp Genetics (formerly Invitae), Labcorp
Classification: Pathogenic. Last evaluated: 2022-10-27. Review status: criteria provided, single submitter. Criteria: Invitae Variant Classification Sherloc (09022015). Collection method: clinical testing. Allele origin: germline.
Comment: This variant is a gross deletion of the genomic region encompassing exon(s) 69-72 of the VPS13A gene, which includes the termination codon. This deletion extends beyond the assayed region for this gene and therefore may encompass additional genes. While this deletion is not anticipated to lead to nonsense mediated decay, it is expected to alter mRNA translation or result in a truncated protein product. This variant has not been reported in the literature in individuals affected with VPS13A-related conditions. This variant disrupts a region of the VPS13A protein in which other variant(s) (p.Glu3144Valfs*6) have been determined to be pathogenic (PMID: 12404112, 30713887, 31543803). This suggests that this is a clinically significant region of the protein, and that variants that disrupt it are likely to be disease-causing. For these reasons, this variant has been classified as Pathogenic.

Literature cited by the submitters: PubMed 12404112; PubMed 30713887; PubMed 31543803.